The following is an entry in ClinVar:

ClinVar aggregate classification (germline): Uncertain significance (1 of 4 stars; one submission).

Conditions:
LAMA2-related muscular dystrophy (LAMA2-RD). Also called: Laminin alpha 2-related dystrophy. Identifiers: MedGen C5679788, MONDO:0100228.

Allele frequency attached by ClinVar (database versions not stated): gnomAD exomes below 0.00001.
gnomAD v4.1: 4 of 1,614,050 alleles (0.00025%); highest among the groups gnomAD compares: Non-Finnish European, 0.00034%; no homozygotes.

Submission:

Labcorp Genetics (formerly Invitae), Labcorp
Classification: Uncertain significance for LAMA2-related muscular dystrophy. Last evaluated: 2026-01-05. Review status: criteria provided, single submitter. Criteria: Invitae Variant Classification Sherloc (09022015). Collection method: clinical testing. Allele origin: germline.
Comment: This sequence change replaces glutamic acid, which is acidic and polar, with glutamine, which is neutral and polar, at codon 2614 of the LAMA2 protein (p.Glu2614Gln). This variant is not present in population databases (gnomAD no frequency). This variant has not been reported in the literature in individuals affected with LAMA2-related conditions. ClinVar contains an entry for this variant (Variation ID: 1421731). Invitae Evidence Modeling of protein sequence and biophysical properties (such as structural, functional, and spatial information, amino acid conservation, physicochemical variation, residue mobility, and thermodynamic stability) indicates that this missense variant is not expected to disrupt LAMA2 protein function with a negative predictive value of 95%. In summary, the available evidence is currently insufficient to determine the role of this variant in disease. Therefore, it has been classified as a Variant of Uncertain Significance.

NM_000426.4(LAMA2):c.7840G>C (p.Glu2614Gln)

Gene: LAMA2 (laminin subunit alpha 2; plus strand). Cytogenetic location: 6q22.33.
Variant type: single nucleotide variant.
Coding change: c.7840G>C on transcript NM_000426.4 (MANE Select); coding-DNA position 7840, G replaced by C.
Protein change: p.Glu2614Gln; replaces glutamic acid 2614 with glutamine.
Molecular consequence: missense variant.
Genome position (GRCh38, 1-based): chr6:129,486,564, G>C. VCF-style: chr6-129486564-G-C. GRCh37 (hg19) VCF-style: chr6-129807709-G-C.
Other names: c.7828G>C, p.Glu2610Gln (NM_001079823.2); short protein forms E2614Q, E2610Q.
Identifiers: ClinVar variation 1421731 (VCV001421731.4), dbSNP rs2114849074, ClinGen allele CA365629288.
Genomic context (GRCh38, chr6:129,486,564, plus strand): 5'-CGTCTGGAAGTGCATCTCTCCACAGGGGCACGAACAATGAGGAAAATTGTGATCAGACCA[G>C]AGCCGAATCTGTTTCATGATGGAAGAGAACATTCCGTTCATGTAGAGCGAACTAGAGGGT-3'
Protein context (NP_000417.3, residues 2604-2624): RTMRKIVIRP[Glu2614Gln]PNLFHDGREH